The following is an entry in ClinVar:

NM_017570.5(OPLAH):c.203C>T (p.Pro68Leu)

Gene: OPLAH (5-oxoprolinase, ATP-hydrolysing; minus strand). Cytogenetic location: 8q24.3.
Variant type: single nucleotide variant.
Coding change: c.203C>T on transcript NM_017570.5 (MANE Select); coding-DNA position 203, C replaced by T.
Protein change: p.Pro68Leu; replaces proline 68 with leucine.
Molecular consequence: missense variant.
Genome position (GRCh38, 1-based): chr8:144,059,759, G>A on the plus strand (C>T on the coding strand, the complement: OPLAH is on the minus strand). VCF-style: chr8-144059759-G-A. GRCh37 (hg19) VCF-style: chr8-145114662-G-A.
Other names: c.203C>T (NM_017570.3); short protein forms P68L.
Identifiers: ClinVar variation 1365287 (VCV001365287.8), dbSNP rs540750311, ClinGen allele CA4932359.

ClinVar aggregate classification (germline): Uncertain significance. Review status: criteria provided, multiple submitters, no conflicts (2 of 4 stars). 3 submissions from 3 submitters: Uncertain significance (3). Last evaluated 2024-07-02.

Conditions:
5-Oxoprolinase deficiency (OPLAHD). Also called: 5-OXOPROLINURIA DUE TO 5-OXOPROLINASE DEFICIENCY. Identifiers: Orphanet 33572, MedGen C0268525, MONDO:0009825, OMIM 260005, HP:0040142.

gnomAD v4.1: 45 of 1,609,300 alleles (0.0028%); highest among the groups gnomAD compares: African/African-American, 0.02%; no homozygotes.

Submissions (3):

Ambry Genetics
Classification: Uncertain significance. Last evaluated: 2024-07-02. Review status: criteria provided, single submitter. Criteria: Ambry Variant Classification Scheme 2023. Collection method: clinical testing. Allele origin: germline.

Labcorp Genetics (formerly Invitae), Labcorp
Classification: Uncertain significance for 5-Oxoprolinase deficiency. Last evaluated: 2022-11-08. Review status: criteria provided, single submitter. Criteria: Invitae Variant Classification Sherloc (09022015). Collection method: clinical testing. Allele origin: germline.
Comment: This sequence change replaces proline, which is neutral and non-polar, with leucine, which is neutral and non-polar, at codon 68 of the OPLAH protein (p.Pro68Leu). This variant is present in population databases (rs540750311, gnomAD 0.01%). This variant has not been reported in the literature in individuals affected with OPLAH-related conditions. ClinVar contains an entry for this variant (Variation ID: 1365287). Experimental studies and prediction algorithms are not available or were not evaluated, and the functional significance of this variant is currently unknown. In summary, the available evidence is currently insufficient to determine the role of this variant in disease. Therefore, it has been classified as a Variant of Uncertain Significance.

Fulgent Genetics
Classification: Uncertain significance for 5-Oxoprolinase deficiency. Last evaluated: 2021-11-03. Review status: criteria provided, single submitter. Criteria: ACMG Guidelines, 2015. Collection method: clinical testing. Allele origin: unknown.